The following is an entry in ClinVar:

ClinVar aggregate classification (germline): Uncertain significance. Review status: criteria provided, multiple submitters, no conflicts (2 of 4 stars). 2 submissions from 2 submitters: Uncertain significance (2). Last evaluated 2025-03-04.

Submissions (2):

Center for Genomic Medicine, Rigshospitalet, Copenhagen University Hospital
Classification: Uncertain significance. Last evaluated: 2025-03-04. Review status: criteria provided, single submitter. Criteria: ACMG Guidelines, 2015. Collection method: clinical testing. Allele origin: germline.

Ambry Genetics
Classification: Uncertain significance. Last evaluated: 2024-05-13. Review status: criteria provided, single submitter. Criteria: Ambry Variant Classification Scheme 2023. Collection method: clinical testing. Allele origin: germline.
Comment: The p.D141N variant (also known as c.421G>A), located in coding exon 1 of the TERF2IP gene, results from a G to A substitution at nucleotide position 421. The aspartic acid at codon 141 is replaced by asparagine, an amino acid with highly similar properties. This amino acid position is conserved. In addition, this alteration is predicted to be tolerated by in silico analysis. Since supporting evidence is limited at this time, the clinical significance of this alteration remains unclear.

NM_018975.4(TERF2IP):c.421G>A (p.Asp141Asn)

Gene: TERF2IP (TERF2 interacting protein; plus strand). Cytogenetic location: 16q23.1.
Variant type: single nucleotide variant.
Coding change: c.421G>A on transcript NM_018975.4 (MANE Select); coding-DNA position 421, G replaced by A.
Protein change: p.Asp141Asn; replaces aspartic acid 141 with asparagine.
Molecular consequence: missense variant. On other transcripts: non-coding transcript variant (1).
Genome position (GRCh38, 1-based): chr16:75,648,303, G>A. VCF-style: chr16-75648303-G-A. GRCh37 (hg19) VCF-style: chr16-75682201-G-A.
Other names: short protein forms D141N.
Identifiers: ClinVar variation 1738819 (VCV001738819.5), dbSNP rs1483617225, ClinGen allele CA396817867.